The following is an entry in ClinVar:

ClinVar aggregate classification (germline): Uncertain significance (1 of 4 stars; one submission).

Conditions:
Familial hypocalciuric hypercalcemia (FHH). Also called: Familial benign hypercalcemia. Identifiers: Orphanet 405, MedGen C1809471, MONDO:0018458.
Autosomal dominant hypocalcemia 1 (HYPOC1). Also called: HYPOCALCEMIA, FAMILIAL. Identifiers: MedGen C3715128, MONDO:0011013, OMIM 601198.

Allele frequency attached by ClinVar (database versions not stated): gnomAD 0.00001; TOPMed 0.00001.
gnomAD v4.1: 1 of 1,613,538 alleles (0.000062%); highest among the groups gnomAD compares: African/African-American, 0.0013%; no homozygotes.

Submission:

Labcorp Genetics (formerly Invitae), Labcorp
Classification: Uncertain significance for Familial hypocalciuric hypercalcemia; Autosomal dominant hypocalcemia 1. Last evaluated: 2022-08-16. Review status: criteria provided, single submitter. Criteria: Invitae Variant Classification Sherloc (09022015). Collection method: clinical testing. Allele origin: germline.
Comment: In summary, the available evidence is currently insufficient to determine the role of this variant in disease. Therefore, it has been classified as a Variant of Uncertain Significance. Algorithms developed to predict the effect of missense changes on protein structure and function (SIFT, PolyPhen-2, Align-GVGD) all suggest that this variant is likely to be tolerated. ClinVar contains an entry for this variant (Variation ID: 945716). This variant has not been reported in the literature in individuals affected with CASR-related conditions. This variant is present in population databases (no rsID available, gnomAD 0.01%). This sequence change replaces isoleucine, which is neutral and non-polar, with valine, which is neutral and non-polar, at codon 642 of the CASR protein (p.Ile642Val).

NM_000388.4(CASR):c.1924A>G (p.Ile642Val)

Gene: CASR (calcium sensing receptor; plus strand). Cytogenetic location: 3q21.1.
Variant type: single nucleotide variant.
Coding change: c.1924A>G on transcript NM_000388.4 (MANE Select); coding-DNA position 1924, A replaced by G.
Protein change: p.Ile642Val; replaces isoleucine 642 with valine.
Molecular consequence: missense variant.
Genome position (GRCh38, 1-based): chr3:122,283,878, A>G. VCF-style: chr3-122283878-A-G. GRCh37 (hg19) VCF-style: chr3-122002725-A-G.
Other names: c.1954A>G, p.Ile652Val (NM_001178065.2); short protein forms I642V, I652V.
Identifiers: ClinVar variation 945716 (VCV000945716.10), dbSNP rs894717560, ClinGen allele CA82748626.
Genomic context (GRCh38, chr3:122,283,878, plus strand): 5'-CTGGGCATTTTCCTGACAGCCTTTGTGCTGGGTGTGTTTATCAAGTTCCGCAACACACCC[A>G]TTGTCAAGGCCACCAACCGAGAGCTCTCCTACCTCCTCCTCTTCTCCCTGCTCTGCTGCT-3'
Protein context (NP_000379.3, residues 632-652): GVFIKFRNTP[Ile642Val]VKATNRELSY